The following is an entry in ClinVar:

ClinVar aggregate classification (germline): Uncertain significance (1 of 4 stars; one submission).

Conditions:
Leukocyte adhesion deficiency 3. Also called: INTEGRIN ACTIVATION DEFICIENCY DISEASE; LEUKOCYTE ADHESION DEFICIENCY 1 VARIANT; Leukocyte adhesion deficiency, type III. Identifiers: Orphanet 2968, Orphanet 99844, MedGen C2748536, MONDO:0013016, OMIM 612840.

Allele frequency attached by ClinVar (database versions not stated): TOPMed below 0.00001.
gnomAD v4.1: 1 of 1,571,176 alleles (0.000064%); highest among the groups gnomAD compares: Admixed American, 0.0019%; no homozygotes.

Submission:

Labcorp Genetics (formerly Invitae), Labcorp
Classification: Uncertain significance for Leukocyte adhesion deficiency 3. Last evaluated: 2022-07-14. Review status: criteria provided, single submitter. Criteria: Invitae Variant Classification Sherloc (09022015). Collection method: clinical testing. Allele origin: germline.
Comment: This sequence change replaces glutamic acid, which is acidic and polar, with lysine, which is basic and polar, at codon 149 of the FERMT3 protein (p.Glu149Lys). This variant is not present in population databases (gnomAD no frequency). This variant has not been reported in the literature in individuals affected with FERMT3-related conditions. ClinVar contains an entry for this variant (Variation ID: 1460549). Algorithms developed to predict the effect of missense changes on protein structure and function output the following: SIFT: "Tolerated"; PolyPhen-2: "Benign"; Align-GVGD: "Class C0". The lysine amino acid residue is found in multiple mammalian species, which suggests that this missense change does not adversely affect protein function. In summary, the available evidence is currently insufficient to determine the role of this variant in disease. Therefore, it has been classified as a Variant of Uncertain Significance.

NM_031471.6(FERMT3):c.445G>A (p.Glu149Lys)

Gene: FERMT3 (FERM domain containing kindlin 3; plus strand). Cytogenetic location: 11q13.1.
Variant type: single nucleotide variant.
Coding change: c.445G>A on transcript NM_031471.6 (MANE Select); coding-DNA position 445, G replaced by A.
Protein change: p.Glu149Lys; replaces glutamic acid 149 with lysine.
Molecular consequence: missense variant. On other transcripts: 5 prime UTR variant (2).
Genome position (GRCh38, 1-based): chr11:64,211,102, G>A. VCF-style: chr11-64211102-G-A. GRCh37 (hg19) VCF-style: chr11-63978574-G-A.
Other names: c.445G>A, p.Glu149Lys (NM_001382361.1, NM_001382362.1, NM_001382448.1 and 1 more transcripts); c.-96G>A (NM_001382363.1, NM_001382364.1); short protein forms E149K.
Identifiers: ClinVar variation 1460549 (VCV001460549.3), dbSNP rs1189533527, ClinGen allele CA381081876.
Genomic context (GRCh38, chr11:64,211,102, plus strand): 5'-CTCCCCTCAGGCATCCGGCACCCCGAGGAGCTGTCCCTGCTCCGGGCTCCTGAGAAGAAG[G>A]AGAAGAAGAAGAAAGAGAAGGAGCCAGAGGAAGAGCTCTATGACTTGAGCAAGGTTGTCT-3'
Protein context (NP_113659.3, residues 139-159): LSLLRAPEKK[Glu149Lys]KKKKEKEPEE